The following is an entry in ClinVar:

ClinVar aggregate classification (germline): Uncertain significance. Review status: criteria provided, multiple submitters, no conflicts (2 of 4 stars). 2 submissions from 2 submitters: Uncertain significance (2). Last evaluated 2026-03-26.

Conditions:
EP300-related disorder. Also called: EP300-related condition; EP300-related disorders.
Rubinstein-Taybi syndrome due to EP300 haploinsufficiency. Also called: EP300-Related Rubinstein-Taybi Syndrome; RUBINSTEIN-TAYBI SYNDROME 2. Identifiers: Orphanet 353284, Orphanet 783, MedGen C3150941, MONDO:0013364, OMIM 613684.

Submissions (2):

PreventionGenetics, part of Exact Sciences
Classification: Uncertain significance for EP300-related condition. Last evaluated: 2026-03-26. Review status: criteria provided, single submitter. Criteria: ACMG Guidelines, 2015. Collection method: clinical testing. Allele origin: germline.
Comment: The EP300 c.2573_2575delCAA variant is predicted to result in an in-frame deletion (p.Thr858del). To our knowledge, this variant has not been reported in the literature. This variant is reported in 0.010% of alleles in individuals of East Asian descent in gnomAD. At this time, the clinical significance of this variant is uncertain due to the absence of conclusive functional and genetic evidence.

Labcorp Genetics (formerly Invitae), Labcorp
Classification: Uncertain significance for Rubinstein-Taybi syndrome due to EP300 haploinsufficiency. Last evaluated: 2024-11-05. Review status: criteria provided, single submitter. Criteria: Invitae Variant Classification Sherloc (09022015). Collection method: clinical testing. Allele origin: germline.
Comment: This variant, c.2573_2575del, results in the deletion of 1 amino acid(s) of the EP300 protein (p.Thr858del), but otherwise preserves the integrity of the reading frame. This variant is present in population databases (rs770125372, gnomAD 0.01%). This variant has not been reported in the literature in individuals affected with EP300-related conditions. Experimental studies and prediction algorithms are not available or were not evaluated, and the functional significance of this variant is currently unknown. In summary, the available evidence is currently insufficient to determine the role of this variant in disease. Therefore, it has been classified as a Variant of Uncertain Significance.

NM_001429.4(EP300):c.2567CAA[2] (p.Thr858del)

Gene: EP300 (EP300 lysine acetyltransferase; plus strand). Cytogenetic location: 22q13.2.
Variant type: Microsatellite.
Coding change: c.2567CAA[2] on transcript NM_001429.4 (MANE Select); two copies in a row of the 3-base unit CAA starting at c.2567; the reference has three copies in a row; one copy, 3 bases deleted.
Protein change: p.Thr858del; deletes threonine 858.
Molecular consequence: inframe deletion.
Genome position (GRCh38, 1-based): chr22:41,149,954-41,149,956, CAA deleted; deleting any 3 consecutive bases within chr22:41,149,948-41,149,956 gives the same sequence; the position shown is the placement nearest the transcript's 3' end. VCF-style (leftmost placement, unchanged base first): chr22-41149947-GCAA-G. GRCh37 (hg19) VCF-style: chr22-41545951-GCAA-G.
Other names: c.2489CAA[2], p.Thr832del (NM_001362843.2); c.2573_2575delCAA (NM_001429.3); short protein forms T832del, T858del.
Identifiers: ClinVar variation 2738510 (VCV002738510.4), dbSNP rs770125372, ClinGen allele CA10252898.
Genomic context (GRCh38, chr22:41,149,947, plus strand): 5'-CCTAGTCGTACCCCCACCCCTCACCATACTCCCCCAAGCATAGGGGCTCAGCAGCCACCA[GCAA>G]CAACAATTCCAGCCCCTGTTCCTACACCTCCTGCCATGCCACCTGGGCCACAGTCCCAGG-3'